The following is an entry in ClinVar:

ClinVar aggregate classification (germline): Uncertain significance (1 of 4 stars; one submission).

Conditions:
Asphyxiating thoracic dystrophy 5 (SRTD5). Also called: SHORT-RIB THORACIC DYSPLASIA 5 WITH OR WITHOUT POLYDACTYLY; SHORT-RIB THORACIC DYSPLASIA 5 WITHOUT POLYDACTYLY. Identifiers: Orphanet 474, MedGen C3280598, MONDO:0013717, OMIM 614376.
Senior-Loken syndrome 8 (SLSN8). Identifiers: Orphanet 3156, MedGen C4225376, MONDO:0014579, OMIM 616307.

Submission:

Labcorp Genetics (formerly Invitae), Labcorp
Classification: Uncertain significance for Senior-Loken syndrome 8; Asphyxiating thoracic dystrophy 5. Last evaluated: 2022-05-10. Review status: criteria provided, single submitter. Criteria: Invitae Variant Classification Sherloc (09022015). Collection method: clinical testing. Allele origin: germline.
Comment: In summary, the available evidence is currently insufficient to determine the role of this variant in disease. Therefore, it has been classified as a Variant of Uncertain Significance. Algorithms developed to predict the effect of missense changes on protein structure and function are either unavailable or do not agree on the potential impact of this missense change (SIFT: "Tolerated"; PolyPhen-2: "Possibly Damaging"; Align-GVGD: "Class C0"). This variant has not been reported in the literature in individuals affected with WDR19-related conditions. This variant is not present in population databases (gnomAD no frequency). This sequence change replaces methionine, which is neutral and non-polar, with lysine, which is basic and polar, at codon 728 of the WDR19 protein (p.Met728Lys).

NM_025132.4(WDR19):c.2183T>A (p.Met728Lys)

Gene: WDR19 (WD repeat domain 19; plus strand). Cytogenetic location: 4p14.
Variant type: single nucleotide variant.
Coding change: c.2183T>A on transcript NM_025132.4 (MANE Select); coding-DNA position 2183, T replaced by A.
Protein change: p.Met728Lys; replaces methionine 728 with lysine.
Molecular consequence: missense variant.
Genome position (GRCh38, 1-based): chr4:39,232,202, T>A. VCF-style: chr4-39232202-T-A. GRCh37 (hg19) VCF-style: chr4-39233822-T-A.
Other names: c.1703T>A, p.Met568Lys (NM_001317924.2); short protein forms M728K, M568K.
Identifiers: ClinVar variation 1992655 (VCV001992655.4), dbSNP rs2475205849, ClinGen allele CA356634900.
Genomic context (GRCh38, chr4:39,232,202, plus strand): 5'-AGAATTGCTTTTATTTGTAGGGAATAGAGGACTACAATCTTTTGGCAGGACACCTTGCCA[T>A]GTTTACCAACGATTATAACCTGGCTCAGGACTTGTACCTTGCATCCAGCTGTCCTATTGC-3'
Protein context (NP_079408.3, residues 718-738): DYNLLAGHLA[Met728Lys]FTNDYNLAQD